The following is an entry in ClinVar:

NM_199420.4(POLQ):c.6065G>T (p.Gly2022Val)

Gene: POLQ (DNA polymerase theta; minus strand). Cytogenetic location: 3q13.33.
Variant type: single nucleotide variant.
Coding change: c.6065G>T on transcript NM_199420.4 (MANE Select); coding-DNA position 6065, G replaced by T.
Protein change: p.Gly2022Val; replaces glycine 2022 with valine.
Molecular consequence: missense variant.
Genome position (GRCh38, 1-based): chr3:121,481,718, C>A on the plus strand (G>T on the coding strand, the complement: POLQ is on the minus strand). VCF-style: chr3-121481718-C-A. GRCh37 (hg19) VCF-style: chr3-121200565-C-A.
Other names: short protein forms G2022V.
Identifiers: ClinVar variation 1751347 (VCV001751347.2), dbSNP rs2546780432, ClinGen allele CA354087987.

ClinVar aggregate classification (germline): Uncertain significance (1 of 4 stars; one submission).

Submission:

Ambry Genetics
Classification: Uncertain significance. Last evaluated: 2022-02-06. Review status: criteria provided, single submitter. Criteria: Ambry Variant Classification Scheme 2023. Collection method: clinical testing. Allele origin: germline.
Comment: The p.G2022V variant (also known as c.6065G>T), located in coding exon 19 of the POLQ gene, results from a G to T substitution at nucleotide position 6065. The glycine at codon 2022 is replaced by valine, an amino acid with dissimilar properties. This amino acid position is conserved. In addition, this alteration is predicted to be tolerated by in silico analysis. Since supporting evidence is limited at this time, the clinical significance of this alteration remains unclear.